The following is an entry in ClinVar:

ClinVar aggregate classification (germline): Uncertain significance (1 of 4 stars; one submission).

Submission:

Athena Diagnostics
Classification: Uncertain significance. Last evaluated: 2023-02-24. Review status: criteria provided, single submitter. Criteria: Athena Diagnostics Criteria. Collection method: clinical testing. Allele origin: unknown.
Comment: Available data are insufficient to determine the clinical significance of the variant at this time. This variant has not been reported in large, multi-ethnic general populations. The variant is located in a region that is not considered important for protein function and/or structure. This variant has been seen where an alternate explanation for disease was also identified, suggesting this variant may not cause disease. Computational tools predict that this variant is not damaging.

NM_001009944.3(PKD1):c.6277C>A (p.His2093Asn)

Gene: PKD1 (polycystin 1, transient receptor potential channel interacting; minus strand). Cytogenetic location: 16p13.3.
Variant type: single nucleotide variant.
Coding change: c.6277C>A on transcript NM_001009944.3 (MANE Select); coding-DNA position 6277, C replaced by A.
Protein change: p.His2093Asn; replaces histidine 2093 with asparagine.
Molecular consequence: missense variant.
Genome position (GRCh38, 1-based): chr16:2,108,890, G>T on the plus strand (C>A on the coding strand, the complement: PKD1 is on the minus strand). VCF-style: chr16-2108890-G-T. GRCh37 (hg19) VCF-style: chr16-2158891-G-T.
Other names: c.6277C>A, p.His2093Asn (NM_000296.4); short protein forms H2093N.
Identifiers: ClinVar variation 2684297 (VCV002684297.1), dbSNP rs1430359145, ClinGen allele CA394373888.